The following is an entry in ClinVar:

NM_020436.5(SALL4):c.328G>A (p.Val110Met)

Gene: SALL4 (spalt like transcription factor 4; minus strand). Cytogenetic location: 20q13.2.
Variant type: single nucleotide variant.
Coding change: c.328G>A on transcript NM_020436.5 (MANE Select); coding-DNA position 328, G replaced by A.
Protein change: p.Val110Met; replaces valine 110 with methionine.
Molecular consequence: missense variant.
Genome position (GRCh38, 1-based): chr20:51,792,155, C>T on the plus strand (G>A on the coding strand, the complement: SALL4 is on the minus strand). VCF-style: chr20-51792155-C-T. GRCh37 (hg19) VCF-style: chr20-50408694-C-T.
Other names: c.328G>A (LRG_675t1); c.328G>A, p.Val110Met (NM_001318031.2); short protein forms V110M.
Identifiers: ClinVar variation 2590003 (VCV002590003.5), dbSNP rs141750452, ClinGen allele CA9912483.
Genomic context (GRCh38, chr20:51,792,155, plus strand): 5'-TACTGCCGGGACTGGTGGGCTGGTGGCTCAGTACAGCTCCGGAGAAGTCTTCTGAAGGCA[C>T]AGGCCCCTCGCTGTCATTCATGATGAGGACAGGTGGATTTTTAGTGCAATTTTTCTTATG-3'
Protein context (NP_065169.1, residues 100-120): VLIMNDSEGP[Val110Met]PSEDFSGAVL

ClinVar aggregate classification (germline): Conflicting classifications of pathogenicity. Review status: criteria provided, conflicting classifications (1 of 4 stars). 3 submissions from 3 submitters: Uncertain significance (2); Likely benign (1). Last evaluated 2026-01-11.

Conditions:
Duane-radial ray syndrome (DRRS). Also called: Duane-Radial Ray Syndrome/Okihiro Syndrome; Duane-Radial Ray Syndrome (DRRS) / Okihiro Syndrome; ACRORENOOCULAR SYNDROME; Okihiro Syndrome; DR SYNDROME; DUANE ANOMALY WITH RADIAL RAY ABNORMALITIES AND DEAFNESS. Identifiers: Orphanet 93293, Orphanet 959, MedGen C1623209, MONDO:0011812, OMIM 607323. Disease mechanism: gain of function.
Inborn genetic diseases. Identifiers: MedGen C0950123, MeSH D030342.

Allele frequency attached by ClinVar (database versions not stated): TOPMed 0.00010; gnomAD 0.00011 and 0.00022; ESP Exome Variant Server 0.00015; gnomAD exomes 0.00016 and 0.00018; ExAC 0.00027.
gnomAD v4.1: 266 of 1,614,072 alleles (0.016%); highest among the groups gnomAD compares: Non-Finnish European, 0.022%; no homozygotes.

Submissions (3):

Labcorp Genetics (formerly Invitae), Labcorp
Classification: Uncertain significance for Duane-radial ray syndrome. Last evaluated: 2026-01-11. Review status: criteria provided, single submitter. Criteria: Invitae Variant Classification Sherloc (09022015). Collection method: clinical testing. Allele origin: germline.
Comment: This sequence change replaces valine, which is neutral and non-polar, with methionine, which is neutral and non-polar, at codon 110 of the SALL4 protein (p.Val110Met). This variant is present in population databases (rs141750452, gnomAD 0.04%), and has an allele count higher than expected for a pathogenic variant. This variant has not been reported in the literature in individuals affected with SALL4-related conditions. ClinVar contains an entry for this variant (Variation ID: 2590003). An algorithm developed to predict the effect of missense changes on protein structure and function outputs the following: PolyPhen-2: "Benign". The methionine amino acid residue is found in multiple mammalian species, which suggests that this missense change does not adversely affect protein function. In summary, the available evidence is currently insufficient to determine the role of this variant in disease. Therefore, it has been classified as a Variant of Uncertain Significance.

Ambry Genetics
Classification: Uncertain significance for Inborn genetic diseases. Last evaluated: 2025-08-01. Review status: criteria provided, single submitter. Criteria: Ambry Variant Classification Scheme 2023. Collection method: clinical testing. Allele origin: germline.

Blueprint Genetics
Classification: Likely benign. Last evaluated: 2023-09-07. Review status: criteria provided, single submitter. Criteria: ACMG Guidelines, 2015. Collection method: clinical testing. Allele origin: germline.